The following is an entry in ClinVar:

NM_000135.4(FANCA):c.338C>T (p.Ser113Leu)

Gene: FANCA (FA complementation group A; minus strand). Cytogenetic location: 16q24.3.
Variant type: single nucleotide variant.
Coding change: c.338C>T on transcript NM_000135.4 (MANE Select); coding-DNA position 338, C replaced by T.
Protein change: p.Ser113Leu; replaces serine 113 with leucine.
Molecular consequence: missense variant.
Genome position (GRCh38, 1-based): chr16:89,811,017, G>A on the plus strand (C>T on the coding strand, the complement: FANCA is on the minus strand). VCF-style: chr16-89811017-G-A. GRCh37 (hg19) VCF-style: chr16-89877425-G-A.
Other names: c.338C>T, p.Ser113Leu (NM_001018112.3, NM_001286167.3, NM_001351830.2); short protein forms S113L.
Identifiers: ClinVar variation 961992 (VCV000961992.14), dbSNP rs149903404, ClinGen allele CA8253061.

ClinVar aggregate classification (germline): Uncertain significance. Review status: criteria provided, multiple submitters, no conflicts (2 of 4 stars). 4 submissions from 4 submitters: Uncertain significance (3). 1 of the submissions does not count toward it. Last evaluated 2024-06-18.

Conditions:
Fanconi anemia complementation group A (FANCA). Also called: FANCA-Related Fanconi Anemia; Fanconi anemia, group A. Identifiers: Orphanet 84, MedGen C3469521, MONDO:0009215, OMIM 227650.
Fanconi anemia (FA). Also called: Fanconi's anemia. Identifiers: Orphanet 84, MedGen C0015625, MeSH D005199, MONDO:0019391.

Allele frequency attached by ClinVar (database versions not stated): gnomAD exomes 0.00001; ExAC 0.00003; TOPMed 0.00003; ESP Exome Variant Server 0.00008.
gnomAD v4.1: 30 of 1,613,936 alleles (0.0019%); highest among the groups gnomAD compares: Non-Finnish European, 0.0024%; no homozygotes.

Submissions (4):

Fulgent Genetics
Classification: Uncertain significance for Fanconi anemia complementation group A. Last evaluated: 2024-06-18. Review status: criteria provided, single submitter. Criteria: ACMG Guidelines, 2015. Collection method: clinical testing. Allele origin: germline.

Labcorp Genetics (formerly Invitae), Labcorp
Classification: Uncertain significance for Fanconi anemia. Last evaluated: 2024-04-15. Review status: criteria provided, single submitter. Criteria: Invitae Variant Classification Sherloc (09022015). Collection method: clinical testing. Allele origin: germline.
Comment: This sequence change replaces serine, which is neutral and polar, with leucine, which is neutral and non-polar, at codon 113 of the FANCA protein (p.Ser113Leu). This variant is present in population databases (rs149903404, gnomAD 0.004%). This variant has not been reported in the literature in individuals affected with FANCA-related conditions. ClinVar contains an entry for this variant (Variation ID: 961992). Advanced modeling of protein sequence and biophysical properties (such as structural, functional, and spatial information, amino acid conservation, physicochemical variation, residue mobility, and thermodynamic stability) has been performed at Invitae for this missense variant, however the output from this modeling did not meet the statistical confidence thresholds required to predict the impact of this variant on FANCA protein function. In summary, the available evidence is currently insufficient to determine the role of this variant in disease. Therefore, it has been classified as a Variant of Uncertain Significance.

Institute for Clinical Genetics, University Hospital TU Dresden, University Hospital TU Dresden
Classification: Uncertain significance. Last evaluated: 2021-11-03. Review status: criteria provided, single submitter. Criteria: ACMG Guidelines, 2015. Collection method: clinical testing. Allele origin: germline.

Natera, Inc.
Classification: Uncertain significance for Fanconi anemia. Last evaluated: 2020-05-04. Review status: no assertion criteria provided. Collection method: clinical testing. Allele origin: germline. Not counted in ClinVar's aggregate classification.